The following is an entry in ClinVar:

ClinVar aggregate classification (germline): Uncertain significance (1 of 4 stars; one submission).

Conditions:
Joubert syndrome. Also called: CEREBELLOPARENCHYMAL DISORDER IV; JOUBERT-BOLTSHAUSER SYNDROME; Familial aplasia of the vermis. Identifiers: Orphanet 475, MedGen C5979921, MONDO:0018772.
Nephronophthisis. Also called: Juvenile Nephronophthisis. Identifiers: Orphanet 655, MedGen C0687120, MONDO:0019005, HP:0000090.
Meckel-Gruber syndrome. Also called: DYSENCEPHALIA SPLANCHNOCYSTICA; GRUBER SYNDROME; Dysencephalia splachnocystica. Identifiers: Orphanet 564, MedGen C0265215, MONDO:0018921.

Submission:

Labcorp Genetics (formerly Invitae), Labcorp
Classification: Uncertain significance for Joubert syndrome; Meckel-Gruber syndrome; Nephronophthisis. Last evaluated: 2022-09-27. Review status: criteria provided, single submitter. Criteria: Invitae Variant Classification Sherloc (09022015). Collection method: clinical testing. Allele origin: germline.
Comment: This sequence change replaces leucine, which is neutral and non-polar, with glutamine, which is neutral and polar, at codon 1429 of the CEP290 protein (p.Leu1429Gln). This variant is not present in population databases (gnomAD no frequency). This variant has not been reported in the literature in individuals affected with CEP290-related conditions. ClinVar contains an entry for this variant (Variation ID: 1438296). Advanced modeling of protein sequence and biophysical properties (such as structural, functional, and spatial information, amino acid conservation, physicochemical variation, residue mobility, and thermodynamic stability) performed at Invitae indicates that this missense variant is expected to disrupt CEP290 protein function. In summary, the available evidence is currently insufficient to determine the role of this variant in disease. Therefore, it has been classified as a Variant of Uncertain Significance.

NM_025114.4(CEP290):c.4286T>A (p.Leu1429Gln)

Gene: CEP290 (centrosomal protein 290; minus strand). Cytogenetic location: 12q21.32.
Variant type: single nucleotide variant.
Coding change: c.4286T>A on transcript NM_025114.4 (MANE Select); coding-DNA position 4286, T replaced by A.
Protein change: p.Leu1429Gln; replaces leucine 1429 with glutamine.
Molecular consequence: missense variant.
Genome position (GRCh38, 1-based): chr12:88,086,407, A>T on the plus strand (T>A on the coding strand, the complement: CEP290 is on the minus strand). VCF-style: chr12-88086407-A-T. GRCh37 (hg19) VCF-style: chr12-88480184-A-T.
Other names: short protein forms L1429Q.
Identifiers: ClinVar variation 1438296 (VCV001438296.5), dbSNP rs2137218717, ClinGen allele CA385997139.